The following is an entry in ClinVar:

ClinVar aggregate classification (germline): Uncertain significance (1 of 4 stars; one submission).

Conditions:
Hereditary cancer-predisposing syndrome. Also called: Neoplastic Syndromes, Hereditary; Tumor predisposition; Hereditary Cancer Syndrome; Hereditary neoplastic syndrome. Identifiers: Orphanet 140162, MedGen C0027672, MeSH D009386, MONDO:0015356.

gnomAD v4.1: 1 of 1,613,942 alleles (0.000062%); highest among the groups gnomAD compares: Non-Finnish European, 0.000085%; no homozygotes.

Submission:

Ambry Genetics
Classification: Uncertain significance for Hereditary cancer-predisposing syndrome. Last evaluated: 2025-11-12. Review status: criteria provided, single submitter. Criteria: Ambry Variant Classification Scheme 2023. Collection method: clinical testing. Allele origin: germline.
Comment: The p.T717R variant (also known as c.2150C>G), located in coding exon 14 of the PDGFRA gene, results from a C to G substitution at nucleotide position 2150. The threonine at codon 717 is replaced by arginine, an amino acid with similar properties. This amino acid position is conserved. In addition, the in silico prediction for this alteration is inconclusive. Based on the available evidence, the clinical significance of this variant remains unclear.

NM_006206.6(PDGFRA):c.2150C>G (p.Thr717Arg)

Gene: PDGFRA (platelet derived growth factor receptor alpha; plus strand). Cytogenetic location: 4q12.
Variant type: single nucleotide variant.
Coding change: c.2150C>G on transcript NM_006206.6 (MANE Select); coding-DNA position 2150, C replaced by G.
Protein change: p.Thr717Arg; replaces threonine 717 with arginine.
Molecular consequence: missense variant.
Genome position (GRCh38, 1-based): chr4:54,278,509, C>G. VCF-style: chr4-54278509-C-G. GRCh37 (hg19) VCF-style: chr4-55144676-C-G.
Other names: c.2150C>G, p.Thr717Arg (NM_001347827.2, NM_001347829.2); c.2225C>G, p.Thr742Arg (NM_001347828.2); c.2189C>G, p.Thr730Arg (NM_001347830.2); short protein forms T730R, T717R, T742R.
Identifiers: ClinVar variation 4665376 (VCV004665376.1).